The following is an entry in ClinVar:

ClinVar aggregate classification (germline): Uncertain significance (1 of 4 stars; one submission).

Submission:

Labcorp Genetics (formerly Invitae), Labcorp
Classification: Uncertain significance. Last evaluated: 2022-06-15. Review status: criteria provided, single submitter. Criteria: Invitae Variant Classification Sherloc (09022015). Collection method: clinical testing. Allele origin: germline.
Comment: In summary, the available evidence is currently insufficient to determine the role of this variant in disease. Therefore, it has been classified as a Variant of Uncertain Significance. Experimental studies and prediction algorithms are not available or were not evaluated, and the functional significance of this variant is currently unknown. This variant has not been reported in the literature in individuals affected with UNC45A-related conditions. This variant results in a copy number gain of the genomic region encompassing exon(s) 1-8 of the UNC45A gene. This region includes the initiator codon of the gene. This copy number gain extends beyond the assayed region for this gene and therefore may encompass additional genes. As the precise location of this event is unknown, it may be in tandem or it may be located elsewhere in the genome.

NC_000015.9:g.(?_91478555)_(91486332_?)dup

Gene: UNC45A (unc-45 myosin chaperone A; plus strand). Cytogenetic location: 15q26.1.
Variant type: Duplication.
Identifiers: ClinVar variation 2426480 (VCV002426480.3).